The following is an entry in ClinVar:

ClinVar aggregate classification (germline): Likely benign. Review status: criteria provided, multiple submitters, no conflicts (2 of 4 stars). 3 submissions from 3 submitters: Likely benign (2). 1 of the submissions does not count toward it. Last evaluated 2025-12-22.

Conditions:
CPT1A-related disorder. Also called: CPT1A-related condition.
Carnitine palmitoyl transferase 1A deficiency. Also called: Carnitine palmitoyltransferase 1A deficiency; CPT deficiency, hepatic, type IA; CPT I DEFICIENCY; CPT DEFICIENCY, HEPATIC, TYPE I; Carnitine palmitoyltransferase type I deficiency. Identifiers: Orphanet 156, MedGen C1829703, MONDO:0009705, OMIM 255120.

Allele frequency attached by ClinVar (database versions not stated): gnomAD 0.00007; gnomAD exomes 0.00011 and 0.00019; TOPMed 0.00011; ESP Exome Variant Server 0.00015; ExAC 0.00018.
gnomAD v4.1: 174 of 1,613,108 alleles (0.011%); highest among the groups gnomAD compares: Non-Finnish European, 0.0038%; no homozygotes.

Submissions (3):

Labcorp Genetics (formerly Invitae), Labcorp
Classification: Likely benign for Carnitine palmitoyl transferase 1A deficiency. Last evaluated: 2025-12-22. Review status: criteria provided, single submitter. Criteria: Invitae Variant Classification Sherloc (09022015). Collection method: clinical testing. Allele origin: germline.

GeneDx
Classification: Likely benign. Last evaluated: 2021-01-06. Review status: criteria provided, single submitter. Criteria: GeneDx Variant Classification Process June 2021. Collection method: clinical testing. Allele origin: germline. Affected: yes.

PreventionGenetics, part of Exact Sciences
Classification: Likely benign for CPT1A-related condition. Last evaluated: 2023-05-27. Review status: no assertion criteria provided. Collection method: clinical testing. Allele origin: germline. Not counted in ClinVar's aggregate classification.
Comment: This variant is classified as likely benign based on ACMG/AMP sequence variant interpretation guidelines (Richards et al. 2015 PMID: 25741868, with internal and published modifications).

NM_001876.4(CPT1A):c.694-10C>T

Gene: CPT1A (carnitine palmitoyltransferase 1A; minus strand). Cytogenetic location: 11q13.3.
Variant type: single nucleotide variant.
Coding change: c.694-10C>T on transcript NM_001876.4 (MANE Select); 10 bases into the intron before coding-DNA position 694, C replaced by T.
Molecular consequence: intron variant.
Genome position (GRCh38, 1-based): chr11:68,796,943, G>A on the plus strand (C>T on the coding strand, the complement: CPT1A is on the minus strand). VCF-style: chr11-68796943-G-A. GRCh37 (hg19) VCF-style: chr11-68564411-G-A.
Other names: c.694-10C>T (NM_001031847.3).
Identifiers: ClinVar variation 389635 (VCV000389635.16), dbSNP rs201198921, ClinGen allele CA6152562.
Genomic context (GRCh38, chr11:68,796,943, plus strand): 5'-GAGCGGCCCTCGTCCTCGGAGGTAGATGTACTCCTCCCACCAGTCGCTCACCTAGTGGGC[G>A]CAAACACCAGACAAACCCGCAGGCTCAGCAGGGGCCAGGCAGGCTCCCTGGCAGCAGCCC-3'